The following is an entry in ClinVar:

NM_001111.5(ADAR):c.2483C>T (p.Ala828Val)

Gene: ADAR (adenosine deaminase RNA specific; minus strand). Cytogenetic location: 1q21.3.
Variant type: single nucleotide variant.
Coding change: c.2483C>T on transcript NM_001111.5 (MANE Select); coding-DNA position 2483, C replaced by T.
Protein change: p.Ala828Val; replaces alanine 828 with valine.
Molecular consequence: missense variant. On other transcripts: intron variant (3).
Genome position (GRCh38, 1-based): chr1:154,590,197, G>A on the plus strand (C>T on the coding strand, the complement: ADAR is on the minus strand). VCF-style: chr1-154590197-G-A. GRCh37 (hg19) VCF-style: chr1-154562673-G-A.
Other names: c.2361+65C>T (NM_015841.4); c.2418+65C>T (NM_015840.4); c.1598C>T, p.Ala533Val (NM_001025107.3, NM_001193495.2, NM_001365046.1 and 2 more transcripts); c.2510C>T, p.Ala837Val (NM_001365045.1); c.1533+65C>T (NM_001365049.1); short protein forms A828V, A533V, A837V.
Identifiers: ClinVar variation 4790055 (VCV004790055.1).

ClinVar aggregate classification (germline): Uncertain significance (1 of 4 stars; one submission).

Conditions:
Aicardi-Goutieres syndrome 6 (AGS6). Identifiers: Orphanet 51, MedGen C3539013, MONDO:0014007, OMIM 615010.
Symmetrical dyschromatosis of extremities (DSH). Also called: DYSCHROMATOSIS SYMMETRICA HEREDITARIA 1; RETICULATE ACROPIGMENTATION OF DOHI; SYMMETRIC DYSCHROMATOSIS OF THE EXTREMITIES; Dyschromatosis symmetrica hereditaria. Identifiers: Orphanet 41, MedGen C0406775, MONDO:0007483, OMIM 127400.

gnomAD v4.1: 3 of 1,611,048 alleles (0.00019%); highest among the groups gnomAD compares: East Asian, 0.0022%; no homozygotes.

Submission:

Labcorp Genetics (formerly Invitae), Labcorp
Classification: Uncertain significance for Aicardi-Goutieres syndrome 6; Symmetrical dyschromatosis of extremities. Last evaluated: 2025-05-19. Review status: criteria provided, single submitter. Criteria: Invitae Variant Classification Sherloc (09022015). Collection method: clinical testing. Allele origin: germline.
Comment: This sequence change replaces alanine, which is neutral and non-polar, with valine, which is neutral and non-polar, at codon 828 of the ADAR protein (p.Ala828Val). This variant is not present in population databases (gnomAD no frequency). This variant has not been reported in the literature in individuals affected with ADAR-related conditions. An algorithm developed to predict the effect of missense changes on protein structure and function (PolyPhen-2) suggests that this variant is likely to be disruptive. In summary, the available evidence is currently insufficient to determine the role of this variant in disease. Therefore, it has been classified as a Variant of Uncertain Significance.